The following is an entry in ClinVar:

NM_004415.4(DSP):c.5554C>T (p.Arg1852Cys)

Gene: DSP (desmoplakin; plus strand). Cytogenetic location: 6p24.3.
Variant type: single nucleotide variant.
Coding change: c.5554C>T on transcript NM_004415.4 (MANE Select); coding-DNA position 5554, C replaced by T.
Protein change: p.Arg1852Cys; replaces arginine 1852 with cysteine.
Molecular consequence: missense variant.
Genome position (GRCh38, 1-based): chr6:7,582,816, C>T. VCF-style: chr6-7582816-C-T. GRCh37 (hg19) VCF-style: chr6-7583049-C-T.
Other names: c.3757C>T, p.Arg1253Cys (NM_001008844.3); c.4225C>T, p.Arg1409Cys (NM_001319034.2); c.5554C>T (NM_004415.3); short protein forms R1852C, R1409C, R1253C.
Identifiers: ClinVar variation 163281 (VCV000163281.21), dbSNP rs550818559, ClinGen allele CA006531.

ClinVar aggregate classification (germline): Conflicting classifications of pathogenicity. Review status: criteria provided, conflicting classifications (1 of 4 stars). 6 submissions from 6 submitters: Uncertain significance (1); Likely benign (4). 1 of the submissions does not count toward it. Last evaluated 2026-01-19.

Conditions:
DSP-related disorder. Also called: DSP-related disorders; DSP-related condition.
Cardiovascular phenotype. Identifiers: MedGen CN230736.
Cardiomyopathy (CMYO). Also called: Cardiomyopathies. Identifiers: Orphanet 167848, MedGen C0878544, MONDO:0004994, HP:0001638. Inheritance: Various modes of inheritance.
Arrhythmogenic cardiomyopathy with wooly hair and keratoderma. Also called: Carvajal syndrome; PALMOPLANTAR KERATODERMA WITH LEFT VENTRICULAR CARDIOMYOPATHY AND WOOLLY HAIR; Dilated cardiomyopathy with woolly hair and keratoderma; Arrhythmogenic cardiomyopathy with woolly hair and keratoderma. Identifiers: Orphanet 65282, MedGen C1854063, MONDO:0011581, OMIM 605676.
Arrhythmogenic right ventricular dysplasia 8 (ARVD8). Also called: Arrhythmogenic Right Ventricular Dysplasia/Cardiomyopathy 8; ARRHYTHMOGENIC RIGHT VENTRICULAR DYSPLASIA, FAMILIAL, 8; ARRHYTHMOGENIC RIGHT VENTRICULAR CARDIOMYOPATHY 8. Identifiers: MedGen C1843896, MONDO:0011831, OMIM 607450.

Allele frequency attached by ClinVar (database versions not stated): gnomAD 0.00004 and 0.00007; TOPMed 0.00004; gnomAD exomes 0.00012 and 0.00026; ExAC 0.00029; 1000 Genomes Project 30x 0.00047; 1000 Genomes Project 0.00060.
gnomAD v4.1: 193 of 1,613,894 alleles (0.012%); highest among the groups gnomAD compares: South Asian, 0.17%; 2 homozygotes.

Submissions (6):

Labcorp Genetics (formerly Invitae), Labcorp
Classification: Likely benign for Arrhythmogenic cardiomyopathy with wooly hair and keratoderma; Arrhythmogenic right ventricular dysplasia 8. Last evaluated: 2026-01-19. Review status: criteria provided, single submitter. Criteria: Invitae Variant Classification Sherloc (09022015). Collection method: clinical testing. Allele origin: germline.

Mayo Clinic Laboratories, Mayo Clinic
Classification: Likely benign. Last evaluated: 2025-10-22. Review status: criteria provided, single submitter. Criteria: ACMG Guidelines, 2015. Collection method: clinical testing. Allele origin: germline. Observed: 1 variant allele.
Comment: BS1

Ambry Genetics
Classification: Likely benign for Cardiovascular phenotype. Last evaluated: 2023-01-26. Review status: criteria provided, single submitter. Criteria: Ambry Variant Classification Scheme 2023. Collection method: clinical testing. Allele origin: germline.

Color Diagnostics, LLC DBA Color Health
Classification: Likely benign for Cardiomyopathy. Last evaluated: 2018-06-18. Review status: criteria provided, single submitter. Criteria: ACMG Guidelines, 2015. Collection method: clinical testing. Allele origin: germline.

Laboratory for Molecular Medicine, Mass General Brigham Personalized Medicine
Classification: Uncertain significance. Last evaluated: 2014-01-22. Review status: criteria provided, single submitter. Criteria: LMM Criteria. Collection method: clinical testing. Allele origin: germline. Observed: 1 variant allele.
Comment: The Arg1852Cys variant in DSP has not been reported in individuals with cardiomy opathy or in large population studies. Computational analyses (biochemical amino acid properties, conservation, AlignGVGD, PolyPhen2, and SIFT) suggest that the Arg1852Cys variant may impact the protein, though this information is not predi ctive enough to determine pathogenicity. Additional information is needed to ful ly assess the clinical significance of the Arg1852Cys variant.

PreventionGenetics, part of Exact Sciences
Classification: Likely benign for DSP-related condition. Last evaluated: 2023-05-22. Review status: no assertion criteria provided. Collection method: clinical testing. Allele origin: germline. Not counted in ClinVar's aggregate classification.
Comment: This variant is classified as likely benign based on ACMG/AMP sequence variant interpretation guidelines (Richards et al. 2015 PMID: 25741868, with internal and published modifications).